The following is an entry in ClinVar:

ClinVar aggregate classification (germline): Uncertain significance (1 of 4 stars; one submission).

gnomAD v4.1: 1 of 1,614,146 alleles (0.000062%); highest among the groups gnomAD compares: East Asian, 0.0022%; no homozygotes.

Submission:

Ambry Genetics
Classification: Uncertain significance. Last evaluated: 2025-05-08. Review status: criteria provided, single submitter. Criteria: Ambry Variant Classification Scheme 2023. Collection method: clinical testing. Allele origin: germline.
Comment: The p.L410P variant (also known as c.1229T>C), located in coding exon 8 of the ATRIP gene, results from a T to C substitution at nucleotide position 1229. The leucine at codon 410 is replaced by proline, an amino acid with similar properties. This amino acid position is conserved. In addition, the in silico prediction for this alteration is inconclusive. Based on the available evidence, the clinical significance of this variant remains unclear.

NM_130384.3(ATRIP):c.1229T>C (p.Leu410Pro)

Genes: ATRIP (ATR interacting protein; plus strand), ATRIP-TREX1 (ATRIP-TREX1 readthrough; plus strand). Cytogenetic location: 3p21.31.
Variant type: single nucleotide variant.
Coding change: c.1229T>C on transcript NM_130384.3 (MANE Select); coding-DNA position 1229, T replaced by C.
Protein change: p.Leu410Pro; replaces leucine 410 with proline.
Molecular consequence: missense variant. On other transcripts: non-coding transcript variant (1).
Genome position (GRCh38, 1-based): chr3:48,460,283, T>C. VCF-style: chr3-48460283-T-C. GRCh37 (hg19) VCF-style: chr3-48501682-T-C.
Other names: c.848T>C, p.Leu283Pro (NM_001271022.2); c.950T>C, p.Leu317Pro (NM_001271023.2); c.1229T>C, p.Leu410Pro (NM_032166.4); short protein forms L410P, L283P, L317P.
Identifiers: ClinVar variation 3976492 (VCV003976492.1).
Genomic context (GRCh38, chr3:48,460,283, plus strand): 5'-CCCGGAATGAGTGCTCACGTGATGGAGACCCAGCAGAGGGAGGCAGAAGGGCCTTCCCAC[T>C]CTGCCAGCTTCCTGGAGCCGTGCATTTCCTCCCCCTTGTACAGTTCTTCATCGGCTTACA-3'
Protein context (NP_569055.1, residues 400-420): PAEGGRRAFP[Leu410Pro]CQLPGAVHFL